The following is an entry in ClinVar:

NM_020765.3(UBR4):c.14997C>T (p.Tyr4999=)

Gene: UBR4 (ubiquitin protein ligase E3 component n-recognin 4; minus strand). Cytogenetic location: 1p36.13.
Variant type: single nucleotide variant.
Coding change: c.14997C>T on transcript NM_020765.3 (MANE Select); coding-DNA position 14997, C replaced by T.
Protein change: p.Tyr4999=; no amino-acid change (tyrosine 4999 retained).
Molecular consequence: synonymous variant.
Genome position (GRCh38, 1-based): chr1:19,084,515, G>A on the plus strand (C>T on the coding strand, the complement: UBR4 is on the minus strand). VCF-style: chr1-19084515-G-A. GRCh37 (hg19) VCF-style: chr1-19411009-G-A.
Identifiers: ClinVar variation 3035405 (VCV003035405.2), dbSNP rs763493424, ClinGen allele CA648076.

ClinVar aggregate classification (germline): Likely benign (0 of 4 stars; one submission).

Conditions:
UBR4-related disorder. Also called: UBR4-related condition.

Allele frequency attached by ClinVar (database versions not stated): ExAC 0.00001; gnomAD 0.00001; gnomAD exomes 0.00001; TOPMed 0.00001.
gnomAD v4.1: 18 of 1,612,230 alleles (0.0011%); highest among the groups gnomAD compares: South Asian, 0.0033%; no homozygotes.

Submission:

PreventionGenetics, part of Exact Sciences
Classification: Likely benign for UBR4-related condition. Last evaluated: 2019-08-09. Review status: no assertion criteria provided. Collection method: clinical testing. Allele origin: germline.
Comment: This variant is classified as likely benign based on ACMG/AMP sequence variant interpretation guidelines (Richards et al. 2015 PMID: 25741868, with internal and published modifications).